The following is an entry in ClinVar:

NM_000257.4(MYH7):c.2358G>T (p.Thr786=)

Genes: MYH7 (myosin heavy chain 7; minus strand), LOC126861898 (BRD4-independent group 4 enhancer GRCh37_chr14:23893609-23894808; plus strand). Cytogenetic location: 14q11.2.
Variant type: single nucleotide variant.
Coding change: c.2358G>T on transcript NM_000257.4 (MANE Select); coding-DNA position 2358, G replaced by T.
Protein change: p.Thr786=; no amino-acid change (threonine 786 retained).
Molecular consequence: synonymous variant.
Genome position (GRCh38, 1-based): chr14:23,425,347, C>A on the plus strand (G>T on the coding strand, the complement: MYH7 is on the minus strand). VCF-style: chr14-23425347-C-A. GRCh37 (hg19) VCF-style: chr14-23894556-C-A.
Other names: p.T786T:ACG>ACT; NM_000257.3(MYH7):c.2358G>T.
Identifiers: ClinVar variation 164334 (VCV000164334.27), dbSNP rs36211714, ClinGen allele CA012222.

ClinVar aggregate classification (germline): Benign. Review status: reviewed by expert panel (3 of 4 stars). 11 submissions from 11 submitters: Benign (1). 10 of the submissions do not count toward it. Last evaluated 2025-11-11.

Conditions:
Cardiovascular phenotype. Identifiers: MedGen CN230736.
Cardiomyopathy (CMYO). Also called: Cardiomyopathies. Identifiers: Orphanet 167848, MedGen C0878544, MONDO:0004994, HP:0001638. Inheritance: Various modes of inheritance.
Hypertrophic cardiomyopathy. Also called: HYPERTROPHIC MYOCARDIOPATHY. Identifiers: Orphanet 217569, MedGen C0007194, MeSH D002312, MONDO:0005045, HP:0001639.
MYH7-related disorder. Also called: MYH7-related condition; MYH7-related disease; MYH7-related disorders.

Allele frequency attached by ClinVar (database versions not stated): 1000 Genomes Project 30x 0.00062; 1000 Genomes Project 0.00080.
gnomAD v4.1: 199 of 1,614,166 alleles (0.012%); highest among the groups gnomAD compares: South Asian, 0.18%; 1 homozygote.

Submissions (11):

ClinGen Cardiomyopathy Variant Curation Expert Panel
Classification: Benign for Hypertrophic cardiomyopathy. Last evaluated: 2025-11-11. Review status: reviewed by expert panel. Criteria: ClinGen CMP ACMG Specifications MYH7 V2.0.0. Collection method: curation. Allele origin: germline. Inheritance: Autosomal dominant inheritance.
Comment: The filtering allele frequency of the c.2358G>T (p.Thr786=) variant in the MYH7 gene is 0.15% (33/16512) of South Asian chromosomes by the Exome Aggregation Consortium, which is a high enough frequency to be classified as benign based on thresholds defined by the ClinGen Inherited Cardiomyopathy Expert Panel (BA1; PMID:29300372).

Labcorp Genetics (formerly Invitae), Labcorp
Classification: Benign for Hypertrophic cardiomyopathy. Last evaluated: 2026-01-09. Review status: criteria provided, single submitter. Criteria: Invitae Variant Classification Sherloc (09022015). Collection method: clinical testing. Allele origin: germline. Not counted in ClinVar's aggregate classification.

Blueprint Genetics
Classification: Likely benign. Last evaluated: 2024-10-11. Review status: criteria provided, single submitter. Criteria: ACMG Guidelines, 2015. Collection method: clinical testing. Allele origin: germline. Not counted in ClinVar's aggregate classification.

All of Us Research Program, National Institutes of Health
Classification: Benign for Cardiomyopathy. Last evaluated: 2024-01-11. Review status: criteria provided, single submitter. Criteria: ACMG Guidelines, 2015. Collection method: clinical testing. Allele origin: germline. Inheritance: Autosomal dominant inheritance. Observed: 6 variant alleles, 6 heterozygotes. Not counted in ClinVar's aggregate classification.
Comment: This study involves interpretation of variants in research participants for the purpose of population health screening. Participant phenotype was not available at the time of variant classification. Additional details can be found in publication PMID: 35346344, PMCID: PMC8962531

Color Diagnostics, LLC DBA Color Health
Classification: Benign for Cardiomyopathy. Last evaluated: 2018-12-31. Review status: criteria provided, single submitter. Criteria: ACMG Guidelines, 2015. Collection method: clinical testing. Allele origin: germline. Not counted in ClinVar's aggregate classification.

Ambry Genetics
Classification: Likely benign for Cardiovascular phenotype. Last evaluated: 2015-08-31. Review status: criteria provided, single submitter. Criteria: Ambry Variant Classification Scheme 2023. Collection method: clinical testing. Allele origin: germline. Not counted in ClinVar's aggregate classification.

GeneDx
Classification: Benign. Last evaluated: 2014-08-26. Review status: criteria provided, single submitter. Criteria: GeneDx Variant Classification (06012015). Collection method: clinical testing. Allele origin: germline. Affected: yes. Not counted in ClinVar's aggregate classification.
Comment: This variant is considered likely benign or benign based on one or more of the following criteria: it is a conservative change, it occurs at a poorly conserved position in the protein, it is predicted to be benign by multiple in silico algorithms, and/or has population frequency not consistent with disease.

Laboratory for Molecular Medicine, Mass General Brigham Personalized Medicine
Classification: Likely benign. Last evaluated: 2014-07-16. Review status: criteria provided, single submitter. Criteria: LMM Criteria. Collection method: clinical testing. Allele origin: germline. Observed: 1 variant allele. Not counted in ClinVar's aggregate classification.
Comment: Thr786Thr in exon 21 of MYH7: This variant is not expected to have clinical sign ificance because it does not alter an amino acid residue and is not located with in the splice consensus sequence. It has been identified in 2.2% (4/186) of Finn ish chromosomes by the 1000 Genomes Project (dbSNP rs36211714).

PreventionGenetics, part of Exact Sciences
Classification: Likely benign for MYH7-related condition. Last evaluated: 2021-08-20. Review status: no assertion criteria provided. Collection method: clinical testing. Allele origin: germline. Not counted in ClinVar's aggregate classification.
Comment: This variant is classified as likely benign based on ACMG/AMP sequence variant interpretation guidelines (Richards et al. 2015 PMID: 25741868, with internal and published modifications).

Diagnostic Laboratory, Department of Genetics, University Medical Center Groningen
Classification: Likely benign. Review status: no assertion criteria provided. Collection method: clinical testing. Allele origin: germline. Affected: yes. Study: VKGL Data-share Consensus. Not counted in ClinVar's aggregate classification.

Joint Genome Diagnostic Labs from Nijmegen and Maastricht, Radboudumc and MUMC+
Classification: Likely benign. Review status: no assertion criteria provided. Collection method: clinical testing. Allele origin: germline. Affected: yes. Study: VKGL Data-share Consensus. Not counted in ClinVar's aggregate classification.

Literature cited by the submitters: PubMed 29300372 (cited by ClinGen Cardiomyopathy Variant Curation Expert Panel).